The following is an entry in ClinVar:

ClinVar aggregate classification (germline): Benign/Likely benign. Review status: criteria provided, multiple submitters, no conflicts (2 of 4 stars). 6 submissions from 6 submitters: Benign (1); Likely benign (4). 1 of the submissions does not count toward it. Last evaluated 2025-03-13.

Conditions:
ATM-related disorder. Also called: ATM-related disorders; ATM-related condition.
Hereditary cancer-predisposing syndrome. Also called: Neoplastic Syndromes, Hereditary; Hereditary neoplastic syndrome; Tumor predisposition; Hereditary Cancer Syndrome. Identifiers: Orphanet 140162, MedGen C0027672, MeSH D009386, MONDO:0015356.
Ataxia-telangiectasia syndrome (AT). Also called: Ataxia telangiectasia (A-T); Cerebello-oculocutaneous telangiectasia; Immunodeficiency with ataxia telangiectasia; LOUIS-BAR SYNDROME; AT, COMPLEMENTATION GROUP C; ATAXIA-TELANGIECTASIA, FRESNO VARIANT. Identifiers: Orphanet 100, MedGen C0004135, MONDO:0008840, OMIM 208900.
Familial cancer of breast. Also called: hereditary breast carcinoma; Hereditary breast cancer; BREAST CANCER, FAMILIAL. Identifiers: Orphanet 227535, MedGen C0346153, MONDO:0016419, OMIM 114480. Disease mechanism: loss of function.

Allele frequency attached by ClinVar (database versions not stated): gnomAD 0.00001; TOPMed 0.00002; gnomAD exomes below 0.00001.
gnomAD v4.1: 4 of 1,613,878 alleles (0.00025%); highest among the groups gnomAD compares: African/African-American, 0.004%; no homozygotes.

Submissions (6):

Labcorp Genetics (formerly Invitae), Labcorp
Classification: Likely benign for Ataxia-telangiectasia syndrome. Last evaluated: 2025-03-13. Review status: criteria provided, single submitter. Criteria: Invitae Variant Classification Sherloc (09022015). Collection method: clinical testing. Allele origin: germline.

Myriad Genetics, Inc.
Classification: Benign for Familial cancer of breast. Last evaluated: 2024-06-12. Review status: criteria provided, single submitter. Criteria: Myriad Autosomal Dominant, Autosomal Recessive and X-Linked Classification Criteria (2023). Collection method: clinical testing. Allele origin: unknown.
Comment: This variant is considered benign. This variant is a silent/synonymous amino acid change and it is not expected to impact splicing.

Women's Health and Genetics/Laboratory Corporation of America, LabCorp
Classification: Likely benign. Last evaluated: 2019-08-21. Review status: criteria provided, single submitter. Criteria: LabCorp Variant Classification Summary - May 2015. Collection method: clinical testing. Allele origin: germline.

Color Diagnostics, LLC DBA Color Health
Classification: Likely benign for Hereditary cancer-predisposing syndrome. Last evaluated: 2015-12-10. Review status: criteria provided, single submitter. Criteria: ACMG Guidelines, 2015. Collection method: clinical testing. Allele origin: germline.

Ambry Genetics
Classification: Likely benign for Hereditary cancer-predisposing syndrome. Last evaluated: 2015-11-23. Review status: criteria provided, single submitter. Criteria: Ambry Variant Classification Scheme 2023. Collection method: clinical testing. Allele origin: germline.

PreventionGenetics, part of Exact Sciences
Classification: Likely benign for ATM-related condition. Last evaluated: 2019-11-19. Review status: no assertion criteria provided. Collection method: clinical testing. Allele origin: germline. Not counted in ClinVar's aggregate classification.
Comment: This variant is classified as likely benign based on ACMG/AMP sequence variant interpretation guidelines (Richards et al. 2015 PMID: 25741868, with internal and published modifications).

NM_000051.4(ATM):c.6966C>T (p.Ser2322=)

Genes: ATM (ATM serine/threonine kinase; plus strand), C11orf65 (chromosome 11 open reading frame 65; minus strand). Cytogenetic location: 11q22.3.
Variant type: single nucleotide variant.
Coding change: c.6966C>T on transcript NM_000051.4 (MANE Select); coding-DNA position 6966, C replaced by T.
Protein change: p.Ser2322=; no amino-acid change (serine 2322 retained).
Molecular consequence: synonymous variant. On other transcripts: intron variant (2).
Genome position (GRCh38, 1-based): chr11:108,326,216, C>T. VCF-style: chr11-108326216-C-T. GRCh37 (hg19) VCF-style: chr11-108196943-C-T.
Other names: c.6966C>T, p.Ser2322= (NM_001351834.2); c.641-17145G>A (NM_001330368.2); c.*38+9004G>A (NM_001351110.2).
Identifiers: ClinVar variation 220592 (VCV000220592.19), dbSNP rs864622593, ClinGen allele CA350385.